The following is an entry in ClinVar:

ClinVar aggregate classification (germline): Pathogenic (1 of 4 stars; one submission).

Conditions:
Congenital adrenal hyperplasia due to cytochrome P450 oxidoreductase deficiency. Also called: DISORDERED STEROIDOGENESIS DUE TO POR DEFICIENCY. Identifiers: Orphanet 95699, MedGen C1860042, MONDO:0013310, OMIM 613571.

Submission:

Labcorp Genetics (formerly Invitae), Labcorp
Classification: Pathogenic for Congenital adrenal hyperplasia due to cytochrome P450 oxidoreductase deficiency. Last evaluated: 2024-03-24. Review status: criteria provided, single submitter. Criteria: Invitae Variant Classification Sherloc (09022015). Collection method: clinical testing. Allele origin: germline.
Comment: This sequence change creates a premature translational stop signal (p.Asp132Glufs*126) in the POR gene. It is expected to result in an absent or disrupted protein product. Loss-of-function variants in POR are known to be pathogenic (PMID: 14758361, 20732302, 21741353). This variant is not present in population databases (gnomAD no frequency). This variant has not been reported in the literature in individuals affected with POR-related conditions. For these reasons, this variant has been classified as Pathogenic.

Literature cited by the submitters: PubMed 14758361; PubMed 20732302; PubMed 21741353.

NM_001395413.1(POR):c.385_386dup (p.Asp129fs)

Gene: POR (cytochrome p450 oxidoreductase; plus strand). Cytogenetic location: 7q11.23.
Variant type: Duplication.
Coding change: c.385_386dup on transcript NM_001395413.1 (MANE Select); coding-DNA positions 385 to 386, 2 bases duplicated (GA; older notation c.385_386dupGA).
Protein change: p.Asp129fs; shifts the reading frame from aspartic acid 129.
Molecular consequence: frameshift variant.
Genome position (GRCh38, 1-based): chr7:75,980,366-75,980,367, GA duplicated. VCF-style (leftmost placement, unchanged base first): chr7-75980365-C-CGA. GRCh37 (hg19) VCF-style: chr7-75609683-C-CGA.
Other names: c.394_395dup, p.Asp132Glufs (NM_000941.2, NM_000941.3); c.385_386dup, p.Asp129fs (NM_001367562.3, NM_001382657.2, NM_001382658.3 and 2 more transcripts); c.439_440dup, p.Asp147fs (NM_001382655.3); short protein forms D147fs, D129fs.
Identifiers: ClinVar variation 2733599 (VCV002733599.3), dbSNP rs1788943860, ClinGen allele CA456071973.